The following is an entry in ClinVar:

NM_000444.6(PHEX):c.436+5G>A

Gene: PHEX (phosphate regulating endopeptidase X-linked; plus strand). Cytogenetic location: Xp22.11.
Variant type: single nucleotide variant.
Coding change: c.436+5G>A on transcript NM_000444.6 (MANE Select); 5 bases into the intron after coding-DNA position 436, G replaced by A.
Molecular consequence: intron variant.
Genome position (GRCh38, 1-based): chrX:22,076,479, G>A. VCF-style: chrX-22076479-G-A. GRCh37 (hg19) VCF-style: chrX-22094597-G-A.
Other names: c.436+5G>A (NM_001282754.2).
Identifiers: ClinVar variation 953841 (VCV000953841.8), dbSNP rs1602273945, ClinGen allele CA1139667282.
Genomic context (GRCh38, chrX:22,076,479, plus strand): 5'-GGACACCGAAGCCATACAGAAAGCCAAAATCCTTTATTCATCCTGCATGAATGAGAGTGA[G>A]TGATGAAGAAAACTAAATAAAATATTTACCATCCCTATCCTTTAGAGTTCTATTAATGTT-3'

ClinVar aggregate classification (germline): Conflicting classifications of pathogenicity. Review status: criteria provided, conflicting classifications (1 of 4 stars). 2 submissions from 2 submitters: Pathogenic (1); Uncertain significance (1). Last evaluated 2024-06-12.

Conditions:
Familial X-linked hypophosphatemic vitamin D refractory rickets (XLHRD). Also called: HYPOPHOSPHATEMIC VITAMIN D-RESISTANT RICKETS; X-Linked Hypophosphatemia; Hypophosphatemia, vitamin D-resistant rickets; Vitamin D-resistant rickets, X-linked; Hypophosphatemic Rickets, X-Linked Dominant. Identifiers: Orphanet 89936, MedGen C0733682, MONDO:0010619, OMIM 307800.

Submissions (2):

Labcorp Genetics (formerly Invitae), Labcorp
Classification: Pathogenic. Last evaluated: 2024-06-12. Review status: criteria provided, single submitter. Criteria: Invitae Variant Classification Sherloc (09022015). Collection method: clinical testing. Allele origin: germline.
Comment: This sequence change falls in intron 4 of the PHEX gene. It does not directly change the encoded amino acid sequence of the PHEX protein. It affects a nucleotide within the consensus splice site. This variant is not present in population databases (gnomAD no frequency). This variant has been observed in individual(s) with hypophosphatemic rickets (PMID: 34434907; Invitae). In at least one individual the variant was observed to be de novo. ClinVar contains an entry for this variant (Variation ID: 953841). Variants that disrupt the consensus splice site are a relatively common cause of aberrant splicing (PMID: 17576681, 9536098). Algorithms developed to predict the effect of sequence changes on RNA splicing suggest that this variant may disrupt the consensus splice site. For these reasons, this variant has been classified as Pathogenic.

Neuberg Centre For Genomic Medicine, NCGM
Classification: Uncertain significance for Familial X-linked hypophosphatemic vitamin D refractory rickets. Last evaluated: 2023-05-20. Review status: criteria provided, single submitter. Criteria: ACMG Guidelines, 2015. Collection method: clinical testing. Allele origin: germline. Inheritance: X-linked dominant inheritance. Affected: yes.
Comment: The splice region c.436+5G>A variant in PHEX gene has not been reported previously as a pathogenic variant nor a benign variant, to our knowledge. The c.436+5G>A variant is absent in gnomAD Exomes. This variant has been reported to the ClinVar database as Uncertain Significance. SpliceAI predicts this variant to cause splice donor loss (0.96). However, additional functional studies will be required to prove the pathogenicity of this variant. For these reasons, this variant has been classified as a Variant of Uncertain Significance (VUS).

Literature cited by the submitters: PubMed 34434907 (cited by Labcorp Genetics (formerly Invitae), Labcorp); PubMed 17576681 (cited by Labcorp Genetics (formerly Invitae), Labcorp); PubMed 9536098 (cited by Labcorp Genetics (formerly Invitae), Labcorp).